The following is an entry in ClinVar:

NM_198428.3(BBS9):c.190C>T (p.Gln64Ter)

Gene: BBS9 (Bardet-Biedl syndrome 9; plus strand). Cytogenetic location: 7p14.3.
Variant type: single nucleotide variant.
Coding change: c.190C>T on transcript NM_198428.3 (MANE Select); coding-DNA position 190, C replaced by T.
Protein change: p.Gln64Ter; replaces glutamine 64 with a stop codon.
Molecular consequence: nonsense. On other transcripts: 5 prime UTR variant (4), non-coding transcript variant (3), intron variant (2).
Genome position (GRCh38, 1-based): chr7:33,152,778, C>T. VCF-style: chr7-33152778-C-T. GRCh37 (hg19) VCF-style: chr7-33192390-C-T.
Other names: c.190C>T, p.Gln64Ter (NM_001033604.2, NM_001033605.2, NM_001348036.1 and 5 more transcripts); c.-112C>T (NM_001348037.3, NM_001348045.3); c.-39+22737C>T (NM_001348046.3, NM_001348044.3); c.-88C>T (NM_001348038.3, NM_001348039.3); c.55C>T, p.Gln19Ter (NM_001348042.3); short protein forms Q19*, Q64*.
Identifiers: ClinVar variation 983094 (VCV000983094.32), dbSNP rs769256027, ClinGen allele CA4213893.

ClinVar aggregate classification (germline): Pathogenic. Review status: criteria provided, multiple submitters, no conflicts (2 of 4 stars). 5 submissions from 5 submitters: Pathogenic (5). Last evaluated 2026-01-19.

Conditions:
Bardet-Biedl syndrome 9 (BBS9). Identifiers: Orphanet 110, MedGen C1859567, MONDO:0014437, OMIM 615986.
BBS9-related disorder. Also called: BBS9-related condition.
Bardet-Biedl syndrome (BBS). Identifiers: Orphanet 110, MedGen C0752166, MONDO:0015229.

Allele frequency attached by ClinVar (database versions not stated): TOPMed 0.00001; gnomAD 0.00003.
gnomAD v4.1: 14 of 1,613,490 alleles (0.00087%); highest among the groups gnomAD compares: Non-Finnish European, 0.0011%; no homozygotes.

Submissions (5):

Labcorp Genetics (formerly Invitae), Labcorp
Classification: Pathogenic for Bardet-Biedl syndrome. Last evaluated: 2026-01-19. Review status: criteria provided, single submitter. Criteria: Invitae Variant Classification Sherloc (09022015). Collection method: clinical testing. Allele origin: germline.
Comment: This sequence change creates a premature translational stop signal (p.Gln64*) in the BBS9 gene. It is expected to result in an absent or disrupted protein product. Loss-of-function variants in BBS9 are known to be pathogenic (PMID: 16380913, 20177705). This variant is present in population databases (rs769256027, gnomAD 0.003%). This premature translational stop signal has been observed in individual(s) with Bardet-Biedl syndrome (PMID: 21209035). ClinVar contains an entry for this variant (Variation ID: 983094). For these reasons, this variant has been classified as Pathogenic.

Fulgent Genetics
Classification: Pathogenic for Bardet-Biedl syndrome 9. Last evaluated: 2024-04-02. Review status: criteria provided, single submitter. Criteria: ACMG Guidelines, 2015. Collection method: clinical testing. Allele origin: germline.

CeGaT Center for Human Genetics Tuebingen
Classification: Pathogenic. Last evaluated: 2024-04-01. Review status: criteria provided, single submitter. Criteria: CeGaT Center For Human Genetics Tuebingen Variant Classification Criteria Version 2. Collection method: clinical testing. Allele origin: germline. Affected: yes. Observed: 1 variant allele.
Comment: BBS9: PVS1, PM3:Strong, PM2

Blueprint Genetics
Classification: Pathogenic for BBS9-related disorders. Last evaluated: 2023-04-06. Review status: criteria provided, single submitter. Criteria: ACMG Guidelines, 2015. Collection method: clinical testing. Allele origin: germline. Affected: yes. Observed: 4 variant alleles.

Institute of Human Genetics, University of Leipzig Medical Center
Classification: Pathogenic for Bardet-Biedl syndrome 9. Last evaluated: 2019-01-01. Review status: criteria provided, single submitter. Criteria: ACMG Guidelines, 2015. Collection method: clinical testing. Allele origin: unknown. Affected: yes.

Literature cited by the submitters: PubMed 16380913 (cited by Labcorp Genetics (formerly Invitae), Labcorp); PubMed 20177705 (cited by Labcorp Genetics (formerly Invitae), Labcorp); PubMed 21209035 (cited by Labcorp Genetics (formerly Invitae), Labcorp).